The following is an entry in ClinVar:

ClinVar aggregate classification (germline): Uncertain significance (1 of 4 stars; one submission).

Allele frequency attached by ClinVar (database versions not stated): gnomAD 0.00003 and 0.00004.
gnomAD v4.1: 35 of 1,550,818 alleles (0.0023%); highest among the groups gnomAD compares: Middle Eastern, 0.053%; no homozygotes.

Submission:

Labcorp Genetics (formerly Invitae), Labcorp
Classification: Uncertain significance. Last evaluated: 2022-09-07. Review status: criteria provided, single submitter. Criteria: Invitae Variant Classification Sherloc (09022015). Collection method: clinical testing. Allele origin: germline.
Comment: This sequence change replaces arginine, which is basic and polar, with proline, which is neutral and non-polar, at codon 201 of the CFD protein (p.Arg201Pro). This variant is present in population databases (rs201046554, gnomAD 0.004%). This variant has not been reported in the literature in individuals affected with CFD-related conditions. ClinVar contains an entry for this variant (Variation ID: 1359047). Algorithms developed to predict the effect of missense changes on protein structure and function are either unavailable or do not agree on the potential impact of this missense change (SIFT: "Not Available"; PolyPhen-2: "Possibly Damaging"; Align-GVGD: "Not Available"). In summary, the available evidence is currently insufficient to determine the role of this variant in disease. Therefore, it has been classified as a Variant of Uncertain Significance.

NM_001928.4(CFD):c.602G>C (p.Arg201Pro)

Gene: CFD (complement factor D; plus strand). Cytogenetic location: 19p13.3.
Variant type: single nucleotide variant.
Coding change: c.602G>C on transcript NM_001928.4 (MANE Select); coding-DNA position 602, G replaced by C.
Protein change: p.Arg201Pro; replaces arginine 201 with proline.
Molecular consequence: missense variant.
Genome position (GRCh38, 1-based): chr19:861,943, G>C. VCF-style: chr19-861943-G-C. GRCh37 (hg19) VCF-style: chr19-861943-G-C.
Other names: c.623G>C, p.Arg208Pro (NM_001317335.2); short protein forms R208P, R201P.
Identifiers: ClinVar variation 1359047 (VCV001359047.5), dbSNP rs201046554, ClinGen allele CA9026411.